The following is an entry in ClinVar:

ClinVar aggregate classification (germline): Uncertain significance (1 of 4 stars; one submission).

Conditions:
Deficiency of ferroxidase (ACEP). Also called: NEURODEGENERATION WITH BRAIN IRON ACCUMULATION 10; Aceruloplasminemia; Ceruloplasmin deficiency; Familial apoceruloplasmin deficiency; Hereditary ceruloplasmin deficiency; Deficiency of ceruloplasmin. Identifiers: Orphanet 48818, MedGen C0878682, MONDO:0011426, OMIM 604290, HP:0025498.

Allele frequency attached by ClinVar (database versions not stated): gnomAD exomes below 0.00001; gnomAD 0.00001; TOPMed 0.00001; ESP Exome Variant Server 0.00008.
gnomAD v4.1: 3 of 1,613,972 alleles (0.00019%); highest among the groups gnomAD compares: African/African-American, 0.0027%; no homozygotes.

Submission:

Labcorp Genetics (formerly Invitae), Labcorp
Classification: Uncertain significance for Deficiency of ferroxidase. Last evaluated: 2023-08-10. Review status: criteria provided, single submitter. Criteria: Invitae Variant Classification Sherloc (09022015). Collection method: clinical testing. Allele origin: germline.
Comment: This sequence change replaces isoleucine, which is neutral and non-polar, with valine, which is neutral and non-polar, at codon 84 of the CP protein (p.Ile84Val). This variant is not present in population databases (gnomAD no frequency). This variant has not been reported in the literature in individuals affected with CP-related conditions. ClinVar contains an entry for this variant (Variation ID: 2149123). Advanced modeling of protein sequence and biophysical properties (such as structural, functional, and spatial information, amino acid conservation, physicochemical variation, residue mobility, and thermodynamic stability) performed at Invitae indicates that this missense variant is not expected to disrupt CP protein function. In summary, the available evidence is currently insufficient to determine the role of this variant in disease. Therefore, it has been classified as a Variant of Uncertain Significance.

NM_000096.4(CP):c.250A>G (p.Ile84Val)

Gene: CP (ceruloplasmin; minus strand). Cytogenetic location: 3q25.1.
Variant type: single nucleotide variant.
Coding change: c.250A>G on transcript NM_000096.4 (MANE Select); coding-DNA position 250, A replaced by G.
Protein change: p.Ile84Val; replaces isoleucine 84 with valine.
Molecular consequence: missense variant. On other transcripts: non-coding transcript variant (1).
Genome position (GRCh38, 1-based): chr3:149,212,595, T>C on the plus strand (A>G on the coding strand, the complement: CP is on the minus strand). VCF-style: chr3-149212595-T-C. GRCh37 (hg19) VCF-style: chr3-148930382-T-C.
Other names: short protein forms I84V.
Identifiers: ClinVar variation 2149123 (VCV002149123.4), dbSNP rs145973629, ClinGen allele CA85550011.
Genomic context (GRCh38, chr3:149,212,595, plus strand): 5'-TATCTCCAGTTTCAGCTTTGATAATAGGGCCTAAAAACCCAAGCCAGACCGGTTTTTCTA[T>C]AGTTGTCCTAAAGGTTTCATCTGTGTACTGAAGATAAAGGGCCTTCTTATATAGTCTCCC-3'
Protein context (NP_000087.2, residues 74-94): QYTDETFRTT[Ile84Val]EKPVWLGFLG